The following is an entry in ClinVar:

ClinVar aggregate classification (germline): Conflicting classifications of pathogenicity. Review status: criteria provided, conflicting classifications (1 of 4 stars). 6 submissions from 6 submitters: Uncertain significance (2); Likely benign (2). 2 of the submissions do not count toward it. Last evaluated 2026-07-08.

Conditions:
NPHP4-related disorder. Also called: NPHP4-related disorders; NPHP4-related condition. Identifiers: MedGen CN239384.
Congenital anomaly of kidney and urinary tract. Also called: Congenital anomalies of the kidney and urinary tract; Congenital anomalies of kidney and urinary tract. Identifiers: Orphanet 93545, MedGen C1968949, MeSH C566906, MONDO:0019719.
Nephronophthisis. Also called: Juvenile Nephronophthisis. Identifiers: Orphanet 655, MedGen C0687120, MONDO:0019005, HP:0000090.

Allele frequency attached by ClinVar (database versions not stated): ESP Exome Variant Server 0.00032; TOPMed 0.00052; gnomAD 0.00065 and 0.00068; 1000 Genomes Project 30x 0.00078; 1000 Genomes Project 0.00080.
gnomAD v4.1: 183 of 1,607,372 alleles (0.011%); highest among the groups gnomAD compares: African/African-American, 0.19%; no homozygotes.

Submissions (6):

PreventionGenetics, part of Exact Sciences
Classification: Uncertain significance for NPHP4-related condition. Last evaluated: 2026-07-08. Review status: criteria provided, single submitter. Criteria: ACMG Guidelines, 2015. Collection method: clinical testing. Allele origin: germline.
Comment: The NPHP4 c.3983C>T variant is predicted to result in the amino acid substitution p.Pro1328Leu. This variant was reported in the compound heterozygous state in an individual with bilateral renal/hypodysplasia, growth retardation, patent ductus arteriosus, and facial dysmorphism (van der Ven et al. 2018. PubMed ID: 30143558) and in the heterozygous state in an individual with tetralogy of Fallot (Table S3, Ekure et al. 2021. PubMed ID: 33448881). However, additional evidence to support causation was not provided in either of these studies. This variant is reported in 0.24% of alleles in individuals of African descent in gnomAD, which is likely too common to be a primary cause of disease. In ClinVar, this variant has conflicting interpretations including likely benign and uncertain clinical significance (ID: 499260). Although we suspect that this variant may be benign, the clinical significance of this variant is currently classified as uncertain due to the absence of conclusive functional and genetic evidence.

Labcorp Genetics (formerly Invitae), Labcorp
Classification: Likely benign for Nephronophthisis. Last evaluated: 2026-01-08. Review status: criteria provided, single submitter. Criteria: Invitae Variant Classification Sherloc (09022015). Collection method: clinical testing. Allele origin: germline.

Blueprint Genetics
Classification: Likely benign. Last evaluated: 2024-08-28. Review status: criteria provided, single submitter. Criteria: ACMG Guidelines, 2015. Collection method: clinical testing. Allele origin: germline.

Eurofins Ntd Llc (ga)
Classification: Uncertain significance. Last evaluated: 2017-06-26. Review status: criteria provided, single submitter. Criteria: EGL Classification Definitions 2015. Collection method: clinical testing. Allele origin: germline. Observed: 5 variant alleles, 5 heterozygotes.

Genetic Services Laboratory, University of Chicago
Classification: Uncertain significance. Last evaluated: 2022-08-15. Review status: no assertion criteria provided. Collection method: clinical testing. Allele origin: germline. Affected: no. Not counted in ClinVar's aggregate classification.
Comment: DNA sequence analysis of the NPHP4 gene demonstrated a sequence change, c.3983C>T, in exon 28 that results in an amino acid change, p.Pro1328Leu. This sequence change has been previously described in the compound heterozygous state in an individual with congenital kidney/urinary tract anomalies (PMID: 30143558). This sequence change has been described in the gnomAD database with a frequency of 0.24% in the African subpopulation and 0.023% in the general population (dbSNP rs199583130). The p.Pro1328Leu change affects a highly conserved amino acid residue. In-silico pathogenicity prediction tools (SIFT, PolyPhen2, Align GVGD, REVEL) provide contradictory results for the p.Pro1328Leu substitution. Due to insufficient evidences and the lack of functional studies, the clinical significance of the p.Pro1328Leu change remains unknown at this time.

Yale Center for Mendelian Genomics, Yale University
Classification: Likely pathogenic for Congenital anomaly of kidney and urinary tract. Last evaluated: 2018-08-24. Review status: no assertion criteria provided. Collection method: literature only. Allele origin: germline. Affected: yes. Observed: 1 compound heterozygote. Study: Yale Center for Mendelian Genomics. Not counted in ClinVar's aggregate classification.

Literature cited by the submitters: PubMed 30143558 (cited by Yale Center for Mendelian Genomics, Yale University).

NM_015102.5(NPHP4):c.3983C>T (p.Pro1328Leu)

Gene: NPHP4 (nephrocystin 4; minus strand). Cytogenetic location: 1p36.31.
Variant type: single nucleotide variant.
Coding change: c.3983C>T on transcript NM_015102.5 (MANE Select); coding-DNA position 3983, C replaced by T.
Protein change: p.Pro1328Leu; replaces proline 1328 with leucine.
Molecular consequence: missense variant. On other transcripts: non-coding transcript variant (1).
Genome position (GRCh38, 1-based): chr1:5,864,351, G>A on the plus strand (C>T on the coding strand, the complement: NPHP4 is on the minus strand). VCF-style: chr1-5864351-G-A. GRCh37 (hg19) VCF-style: chr1-5924411-G-A.
Other names: c.2444C>T, p.Pro815Leu (NM_001291593.2); c.2447C>T, p.Pro816Leu (NM_001291594.2); short protein forms P1328L, P816L, P815L.
Identifiers: ClinVar variation 499260 (VCV000499260.20), dbSNP rs199583130, ClinGen allele CA553402.